The following is an entry in ClinVar:

NM_012243.3(SLC35A3):c.103C>A (p.Pro35Thr)

Gene: SLC35A3 (solute carrier family 35 member A3; plus strand). Cytogenetic location: 1p21.2.
Variant type: single nucleotide variant.
Coding change: c.103C>A on transcript NM_012243.3 (MANE Select); coding-DNA position 103, C replaced by A.
Protein change: p.Pro35Thr; replaces proline 35 with threonine.
Molecular consequence: missense variant.
Genome position (GRCh38, 1-based): chr1:99,993,657, C>A. VCF-style: chr1-99993657-C-A. GRCh37 (hg19) VCF-style: chr1-100459213-C-A.
Other names: c.103C>A (NM_012243.1); c.103C>A, p.Pro35Thr (NM_001271684.2); c.229C>A, p.Pro77Thr (NM_001271685.2); short protein forms P35T, P77T.
Identifiers: ClinVar variation 936811 (VCV000936811.10), dbSNP rs1199734991, ClinGen allele CA341323927.

ClinVar aggregate classification (germline): Uncertain significance. Review status: criteria provided, multiple submitters, no conflicts (2 of 4 stars). 4 submissions from 4 submitters: Uncertain significance (3). 1 of the submissions does not count toward it. Last evaluated 2026-03-17.

Conditions:
Inborn genetic diseases. Identifiers: MedGen C0950123, MeSH D030342.
Autism spectrum disorder - epilepsy - arthrogryposis syndrome (AMRS). Identifiers: Orphanet 370943, MedGen C3809910, MONDO:0014248, OMIM 615553.

Allele frequency attached by ClinVar (database versions not stated): TOPMed below 0.00001.
gnomAD v4.1: 6 of 1,613,908 alleles (0.00037%); highest among the groups gnomAD compares: Non-Finnish European, 0.00051%; no homozygotes.

Submissions (4):

GeneDx
Classification: Uncertain significance. Last evaluated: 2026-03-17. Review status: criteria provided, single submitter. Criteria: GeneDx Variant Classification Process June 2021. Collection method: clinical testing. Allele origin: germline.
Comment: Not observed at significant frequency in large population cohorts (gnomAD); In silico analysis supports that this missense variant has a deleterious effect on protein structure/function; Has not been previously published as pathogenic or benign to our knowledge

Ambry Genetics
Classification: Uncertain significance for Inborn genetic diseases. Last evaluated: 2024-12-24. Review status: criteria provided, single submitter. Criteria: Ambry Variant Classification Scheme 2023. Collection method: clinical testing. Allele origin: germline.

Labcorp Genetics (formerly Invitae), Labcorp
Classification: Uncertain significance for Autism spectrum disorder - epilepsy - arthrogryposis syndrome. Last evaluated: 2022-08-31. Review status: criteria provided, single submitter. Criteria: Invitae Variant Classification Sherloc (09022015). Collection method: clinical testing. Allele origin: germline.
Comment: This sequence change replaces proline, which is neutral and non-polar, with threonine, which is neutral and polar, at codon 35 of the SLC35A3 protein (p.Pro35Thr). This variant is not present in population databases (gnomAD no frequency). This variant has not been reported in the literature in individuals affected with SLC35A3-related conditions. ClinVar contains an entry for this variant (Variation ID: 936811). Algorithms developed to predict the effect of missense changes on protein structure and function are either unavailable or do not agree on the potential impact of this missense change (SIFT: "Deleterious"; PolyPhen-2: "Benign"; Align-GVGD: "Class C0"). In summary, the available evidence is currently insufficient to determine the role of this variant in disease. Therefore, it has been classified as a Variant of Uncertain Significance.

Natera, Inc.
Classification: Uncertain significance for Arthrogryposis, mental retardation, and seizures. Last evaluated: 2019-11-17. Review status: no assertion criteria provided. Collection method: clinical testing. Allele origin: germline. Not counted in ClinVar's aggregate classification.